The following is an entry in ClinVar:

NM_000135.4(FANCA):c.4187T>C (p.Ile1396Thr)

Genes: FANCA (FA complementation group A; minus strand), ZNF276 (zinc finger protein 276; plus strand). Cytogenetic location: 16q24.3.
Variant type: single nucleotide variant.
Coding change: c.4187T>C on transcript NM_000135.4 (MANE Select); coding-DNA position 4187, T replaced by C.
Protein change: p.Ile1396Thr; replaces isoleucine 1396 with threonine.
Molecular consequence: missense variant. On other transcripts: synonymous variant (1), 3 prime UTR variant (2), non-coding transcript variant (4).
Genome position (GRCh38, 1-based): chr16:89,738,955, A>G on the plus strand (T>C on the coding strand, the complement: FANCA is on the minus strand). VCF-style: chr16-89738955-A-G. GRCh37 (hg19) VCF-style: chr16-89805363-A-G.
Other names: c.4191T>C, p.Asp1397= (NM_001286167.3); c.*709A>G (NM_001113525.2, NM_152287.4); short protein forms I1396T.
Identifiers: ClinVar variation 2012164 (VCV002012164.5), dbSNP rs1182067132, ClinGen allele CA397483700.
Genomic context (GRCh38, chr16:89,738,955, plus strand): 5'-GAGAAGCTCTTTTTCGGGCACCGAGGTATTAACTGCAGCAGAAAAAGACGAGCTTTTGTT[A>G]TCAGTTCCACGGGGTTGCCCTAGAGAGAAAACAGGCAAACTCACAGGTTAGAAGACATAC-3'
Protein context (NP_000126.2, residues 1386-1406): LKGQGNPVEL[Ile1396Thr]TKARLFLLQL

ClinVar aggregate classification (germline): Uncertain significance. Review status: criteria provided, multiple submitters, no conflicts (2 of 4 stars). 2 submissions from 2 submitters: Uncertain significance (2). Last evaluated 2026-08-08.

Conditions:
Inborn genetic diseases. Identifiers: MedGen C0950123, MeSH D030342.
Fanconi anemia (FA). Also called: Fanconi's anemia. Identifiers: Orphanet 84, MedGen C0015625, MeSH D005199, MONDO:0019391.

Allele frequency attached by ClinVar (database versions not stated): gnomAD exomes below 0.00001.
gnomAD v4.1: 1 of 1,614,220 alleles (0.000062%); highest among the groups gnomAD compares: Non-Finnish European, 0.000085%; no homozygotes.

Submissions (2):

Ambry Genetics
Classification: Uncertain significance for Inborn genetic diseases. Last evaluated: 2026-08-08. Review status: criteria provided, single submitter. Criteria: Ambry Variant Classification Scheme 2023. Collection method: clinical testing. Allele origin: germline.
Comment: The p.I1396T variant (also known as c.4187T>C), located in coding exon 42 of the FANCA gene, results from a T to C substitution at nucleotide position 4187. The isoleucine at codon 1396 is replaced by threonine, an amino acid with similar properties. This amino acid position is conserved. In addition, the in silico prediction for this alteration is inconclusive. Based on the available evidence, the clinical significance of this variant remains unclear.

Labcorp Genetics (formerly Invitae), Labcorp
Classification: Uncertain significance for Fanconi anemia. Last evaluated: 2025-12-15. Review status: criteria provided, single submitter. Criteria: Invitae Variant Classification Sherloc (09022015). Collection method: clinical testing. Allele origin: germline.
Comment: This sequence change replaces isoleucine, which is neutral and non-polar, with threonine, which is neutral and polar, at codon 1396 of the FANCA protein (p.Ile1396Thr). This variant is present in population databases (no rsID available, gnomAD no frequency). This variant has not been reported in the literature in individuals affected with FANCA-related conditions. ClinVar contains an entry for this variant (Variation ID: 2012164). Invitae Evidence Modeling of protein sequence and biophysical properties (such as structural, functional, and spatial information, amino acid conservation, physicochemical variation, residue mobility, and thermodynamic stability) indicates that this missense variant is not expected to disrupt FANCA protein function with a negative predictive value of 95%. In summary, the available evidence is currently insufficient to determine the role of this variant in disease. Therefore, it has been classified as a Variant of Uncertain Significance.